The following is an entry in ClinVar:

NM_015338.6(ASXL1):c.2966_2967del (p.Asp988_Ser989insTer)

Gene: ASXL1 (ASXL transcriptional regulator 1; plus strand). Cytogenetic location: 20q11.21.
Variant type: Microsatellite.
Coding change: c.2966_2967del on transcript NM_015338.6 (MANE Select); coding-DNA positions 2966 to 2967, 2 bases deleted (CT; older notation c.2966_2967delCT).
Protein change: p.Asp988_Ser989insTer.
Molecular consequence: nonsense.
Genome position (GRCh38, 1-based): chr20:32,435,678-32,435,679, CT deleted; deleting any 2 consecutive bases within chr20:32,435,676-32,435,679 gives the same sequence; the c. name uses the placement nearest the transcript's 3' end. VCF-style (leftmost placement, unchanged base first): chr20-32435675-ACT-A. GRCh37 (hg19) VCF-style: chr20-31023478-ACT-A.
Other names: c.2966_2967delCT (NM_015338.5); c.2783_2784del, p.Asp927_Ser928insTer (NM_001363734.1).
Identifiers: ClinVar variation 424055 (VCV000424055.3), dbSNP rs1064796772, ClinGen allele CA16620924.

ClinVar aggregate classification (germline): Pathogenic (1 of 4 stars; one submission).

Submission:

GeneDx
Classification: Pathogenic. Last evaluated: 2017-03-07. Review status: criteria provided, single submitter. Criteria: GeneDx Variant Classification (06012015). Collection method: clinical testing. Allele origin: germline. Affected: yes.
Comment: The c.2966_2967delCT variant in the ASXL1 gene has not been reported previously as a pathogenic variant nor as a benign variant, to our knowledge. The c.2966_2967delCT variant causes a frameshift resulting the replacement of codon Serine 989 with a premature Stop codon, denoted p.Ser989Ter. This variant is predicted to cause loss of normal protein function through protein truncation. The c.2966_2967delCT variant is not observed in large population cohorts (Lek et al., 2016; 1000 Genomes Consortium et al., 2015; Exome Variant Server). We interpret c.2966_2967delCT as a pathogenic variant.